The following is an entry in ClinVar:

NM_004727.3(SLC24A1):c.1374C>G (p.His458Gln)

Gene: SLC24A1 (solute carrier family 24 member 1; plus strand). Cytogenetic location: 15q22.31.
Variant type: single nucleotide variant.
Coding change: c.1374C>G on transcript NM_004727.3 (MANE Select); coding-DNA position 1374, C replaced by G.
Protein change: p.His458Gln; replaces histidine 458 with glutamine.
Molecular consequence: missense variant.
Genome position (GRCh38, 1-based): chr15:65,625,454, C>G. VCF-style: chr15-65625454-C-G. GRCh37 (hg19) VCF-style: chr15-65917792-C-G.
Other names: c.1374C>G, p.His458Gln (NM_001301031.1, NM_001301032.1, NM_001301033.2 and 1 more transcripts); short protein forms H458Q.
Identifiers: ClinVar variation 1961546 (VCV001961546.3), dbSNP rs370043190, ClinGen allele CA392917322.
Genomic context (GRCh38, chr15:65,625,454, plus strand): 5'-AGAGTACCCCCCAGATCTGTTCAGTGTGGAGGAGCGGCGGCAGGGCTGGGTGGTCCTGCA[C>G]GTTTTTGGCATGATGTATGTGTTTGTGGCCTTGGCCATTGTTTGCGACGAGTACTTCGTT-3'
Protein context (NP_004718.1, residues 448-468): EERRQGWVVL[His458Gln]VFGMMYVFVA

ClinVar aggregate classification (germline): Uncertain significance (1 of 4 stars; one submission).

gnomAD v4.1: 1 of 1,614,016 alleles (0.000062%); highest among the groups gnomAD compares: Admixed American, 0.0017%; no homozygotes.

Submission:

Labcorp Genetics (formerly Invitae), Labcorp
Classification: Uncertain significance. Last evaluated: 2022-04-29. Review status: criteria provided, single submitter. Criteria: Invitae Variant Classification Sherloc (09022015). Collection method: clinical testing. Allele origin: germline.
Comment: Algorithms developed to predict the effect of missense changes on protein structure and function are either unavailable or do not agree on the potential impact of this missense change (SIFT: "Deleterious"; PolyPhen-2: "Possibly Damaging"; Align-GVGD: "Class C15"). This sequence change replaces histidine, which is basic and polar, with glutamine, which is neutral and polar, at codon 458 of the SLC24A1 protein (p.His458Gln). This variant is present in population databases (no rsID available, gnomAD 0.003%). This variant has not been reported in the literature in individuals affected with SLC24A1-related conditions. In summary, the available evidence is currently insufficient to determine the role of this variant in disease. Therefore, it has been classified as a Variant of Uncertain Significance.